The following is an entry in ClinVar:

NM_000038.6(APC):c.1816dup (p.Ile606fs)

Gene: APC (APC regulator of Wnt signaling pathway; plus strand). Cytogenetic location: 5q22.2.
Variant type: Duplication.
Coding change: c.1816dup on transcript NM_000038.6 (MANE Select); coding-DNA position 1816, one base duplicated (A; older notation c.1816dupA).
Protein change: p.Ile606fs; shifts the reading frame from isoleucine 606.
Molecular consequence: frameshift variant. On other transcripts: non-coding transcript variant (2).
Genome position (GRCh38, 1-based): chr5:112,835,023, A duplicated. VCF-style (leftmost placement, unchanged base first): chr5-112835022-T-TA. GRCh37 (hg19) VCF-style: chr5-112170719-T-TA.
Other names: c.1816dup, p.Ile606fs (NM_001127510.3, NM_001354895.2, NM_001407450.1); c.1762dup, p.Ile588fs (NM_001127511.3); c.1870dup, p.Ile624fs (NM_001354896.2, NM_001407447.1, NM_001407448.1 and 1 more transcripts); c.1846dup, p.Ile616fs (NM_001354897.2); c.1741dup, p.Ile581fs (NM_001354898.2); c.1732dup, p.Ile578fs (NM_001354899.2); c.1693dup, p.Ile565fs (NM_001354900.2); c.1639dup, p.Ile547fs (NM_001354901.2, NM_001407453.1); and 11 more; short protein forms I222fs, I323fs, I446fs, I477fs, I480fs, I505fs, I515fs, I523fs.
Identifiers: ClinVar variation 2583862 (VCV002583862.2), dbSNP rs2533335506, ClinGen allele CA645562814.
Genomic context (GRCh38, chr5:112,835,022, plus strand): 5'-CAAAAGCGTATTGAGTGCCTTATGGAATTTGTCAGCACATTGCACTGAGAATAAAGCTGA[T>TA]ATATGTGCTGTAGATGGTGCACTTGCATTTTTGGTTGGCACTCTTACTTACCGGAGCCAG-3'

ClinVar aggregate classification (germline): Pathogenic (1 of 4 stars; one submission).

Conditions:
Familial adenomatous polyposis 1 (FAP1). Also called: FAMILIAL ADENOMATOUS POLYPOSIS 1, ATTENUATED; POLYPOSIS, ADENOMATOUS INTESTINAL. Identifiers: MedGen C2713442, MONDO:0021056, OMIM 175100. Disease mechanism: loss of function.

Submission:

Myriad Genetics, Inc.
Classification: Pathogenic for Familial adenomatous polyposis 1. Last evaluated: 2023-05-03. Review status: criteria provided, single submitter. Criteria: Myriad Autosomal Dominant, Autosomal Recessive and X-Linked Classification Criteria (2023). Collection method: clinical testing. Allele origin: unknown.
Comment: This variant is considered pathogenic. This variant creates a frameshift predicted to result in premature protein truncation.